The following is an entry in ClinVar:

NM_006231.4(POLE):c.11G>A (p.Arg4Lys)

Genes: POLE (DNA polymerase epsilon, catalytic subunit; minus strand), LOC130009266 (ATAC-STARR-seq lymphoblastoid silent region 5123; plus strand). Cytogenetic location: 12q24.33.
Variant type: single nucleotide variant.
Coding change: c.11G>A on transcript NM_006231.4 (MANE Select); coding-DNA position 11, G replaced by A.
Protein change: p.Arg4Lys; replaces arginine 4 with lysine.
Molecular consequence: missense variant.
Genome position (GRCh38, 1-based): chr12:132,687,305, C>T on the plus strand (G>A on the coding strand, the complement: POLE is on the minus strand). VCF-style: chr12-132687305-C-T. GRCh37 (hg19) VCF-style: chr12-133263891-C-T.
Other names: short protein forms R4K.
Identifiers: ClinVar variation 1975185 (VCV001975185.5), dbSNP rs2542222395, ClinGen allele CA387373540.

ClinVar aggregate classification (germline): Uncertain significance (1 of 4 stars; one submission).

Submission:

Labcorp Genetics (formerly Invitae), Labcorp
Classification: Uncertain significance. Last evaluated: 2022-04-02. Review status: criteria provided, single submitter. Criteria: Invitae Variant Classification Sherloc (09022015). Collection method: clinical testing. Allele origin: germline.
Comment: This variant is not present in population databases (gnomAD no frequency). This sequence change replaces arginine, which is basic and polar, with lysine, which is basic and polar, at codon 4 of the POLE protein (p.Arg4Lys). This variant has not been reported in the literature in individuals affected with POLE-related conditions. Algorithms developed to predict the effect of missense changes on protein structure and function are either unavailable or do not agree on the potential impact of this missense change (SIFT: "Tolerated"; PolyPhen-2: "Not Available"; Align-GVGD: "Class C0"). In summary, the available evidence is currently insufficient to determine the role of this variant in disease. Therefore, it has been classified as a Variant of Uncertain Significance.